The following is an entry in ClinVar:

ClinVar aggregate classification (germline): Uncertain significance (1 of 4 stars; one submission).

Conditions:
Epidermolysis bullosa simplex 5B, with muscular dystrophy (EBS5B). Also called: Epidermolysis bullosa simplex with muscular dystrophy; EPIDERMOLYSIS BULLOSA SIMPLEX AND LIMB-GIRDLE MUSCULAR DYSTROPHY. Identifiers: Orphanet 257, MedGen C2931072, MONDO:0009181, OMIM 226670.
Epidermolysis bullosa simplex, Ogna type (EBS5A). Also called: Pidermolysis bullosa simplex 5A, Ogna type; EPIDERMOLYSIS BULLOSA SIMPLEX 5A, OGNA TYPE. Identifiers: Orphanet 79401, MedGen C0432317, MONDO:0007555, OMIM 131950.
Epidermolysis bullosa simplex 5C, with pyloric atresia (EBS5C). Also called: Epidermolysis bullosa simplex with pyloric atresia; PLEC-Related Epidermolysis Bullosa with Pyloric Atresia; PLEC1-Related Epidermolysis Bullosa with Pyloric Atresia. Identifiers: Orphanet 158684, MedGen C2677349, MONDO:0012807, OMIM 612138.
Autosomal recessive limb-girdle muscular dystrophy type 2Q (LGMDR17). Also called: MUSCULAR DYSTROPHY, LIMB-GIRDLE, AUTOSOMAL RECESSIVE 17. Identifiers: Orphanet 254361, MedGen C3150989, MONDO:0013390, OMIM 613723.
Epidermolysis bullosa simplex with nail dystrophy (EBS5D). Identifiers: MedGen C4225309, MONDO:0014661, OMIM 616487.

Submission:

Labcorp Genetics (formerly Invitae), Labcorp
Classification: Uncertain significance for Autosomal recessive limb-girdle muscular dystrophy type 2Q; Epidermolysis bullosa simplex, Ogna type; Epidermolysis bullosa simplex with nail dystrophy; Epidermolysis bullosa simplex 5C, with pyloric atresia; Epidermolysis bullosa simplex 5B, with muscular dystrophy. Last evaluated: 2022-02-02. Review status: criteria provided, single submitter. Criteria: Invitae Variant Classification Sherloc (09022015). Collection method: clinical testing. Allele origin: germline.
Comment: This variant is not present in population databases (gnomAD no frequency). This sequence change replaces glutamic acid, which is acidic and polar, with valine, which is neutral and non-polar, at codon 1810 of the PLEC protein (p.Glu1810Val). This variant has not been reported in the literature in individuals affected with PLEC-related conditions. Algorithms developed to predict the effect of missense changes on protein structure and function are either unavailable or do not agree on the potential impact of this missense change (SIFT: "Deleterious"; PolyPhen-2: "Not Available"; Align-GVGD: "Class C65"). In summary, the available evidence is currently insufficient to determine the role of this variant in disease. Therefore, it has been classified as a Variant of Uncertain Significance.

NM_201384.3(PLEC):c.5348A>T (p.Glu1783Val)

Gene: PLEC (plectin; minus strand). Cytogenetic location: 8q24.3.
Variant type: single nucleotide variant.
Coding change: c.5348A>T on transcript NM_201384.3 (MANE Select); coding-DNA position 5348, A replaced by T.
Protein change: p.Glu1783Val; replaces glutamic acid 1783 with valine.
Molecular consequence: missense variant.
Genome position (GRCh38, 1-based): chr8:143,924,581, T>A on the plus strand (A>T on the coding strand, the complement: PLEC is on the minus strand). VCF-style: chr8-143924581-T-A. GRCh37 (hg19) VCF-style: chr8-144998749-T-A.
Other names: c.5429A>T, p.Glu1810Val (NM_000445.5); c.5306A>T, p.Glu1769Val (NM_201378.4); c.5282A>T, p.Glu1761Val (NM_201379.3); c.5759A>T, p.Glu1920Val (NM_201380.4); c.5252A>T, p.Glu1751Val (NM_201381.3); c.5348A>T, p.Glu1783Val (NM_201382.4); c.5360A>T, p.Glu1787Val (NM_201383.3); short protein forms E1769V, E1783V, E1761V, E1810V, E1751V, E1787V, E1920V.
Identifiers: ClinVar variation 1975620 (VCV001975620.5), dbSNP rs2537930403, ClinGen allele CA372545824.
Genomic context (GRCh38, chr8:143,924,581, plus strand): 5'-GCCTCCTCGGCCAGCTCGCGGAACCGGCCGGCCTCGGCCTCCAGCCTCTGCTTGGACTTC[T>A]CGCTGGTGGAGCGCGACTCCTCCTCAGCCCTCGCCTTGCTGGCCAGCAGCACCTCCATCT-3'
Protein context (NP_958786.1, residues 1773-1793): RAEEESRSTS[Glu1783Val]KSKQRLEAEA